The following is an entry in ClinVar:

ClinVar aggregate classification (germline): Likely pathogenic. Review status: criteria provided, multiple submitters, no conflicts (2 of 4 stars). 2 submissions from 2 submitters: Likely pathogenic (2). Last evaluated 2026-03-10.

Conditions:
Ataxia-telangiectasia syndrome (AT). Also called: LOUIS-BAR SYNDROME; Ataxia-telangiectasia, complementation group E; Cerebello-oculocutaneous telangiectasia; Immunodeficiency with ataxia telangiectasia; ATAXIA-TELANGIECTASIA, COMPLEMENTATION GROUP A; ATAXIA-TELANGIECTASIA, FRESNO VARIANT. Identifiers: Orphanet 100, MedGen C0004135, MONDO:0008840, OMIM 208900.
Familial cancer of breast. Also called: BREAST CANCER, FAMILIAL; Hereditary breast cancer; hereditary breast carcinoma. Identifiers: Orphanet 227535, MedGen C0346153, MONDO:0016419, OMIM 114480. Disease mechanism: loss of function.

Submissions (2):

Myriad Genetics, Inc.
Classification: Likely pathogenic for Familial cancer of breast. Last evaluated: 2026-03-10. Review status: criteria provided, single submitter. Criteria: Myriad Autosomal Dominant, Autosomal Recessive and X-Linked Classification Criteria (2023). Collection method: clinical testing. Allele origin: unknown.
Comment: This variant is considered likely pathogenic. This variant occurs within a consensus splice junction and is predicted to result in abnormal mRNA splicing of either an out-of-frame exon or an in-frame exon necessary for protein stability and/or normal function.

Labcorp Genetics (formerly Invitae), Labcorp
Classification: Likely pathogenic for Ataxia-telangiectasia syndrome. Last evaluated: 2019-04-07. Review status: criteria provided, single submitter. Criteria: Invitae Variant Classification Sherloc (09022015). Collection method: clinical testing. Allele origin: germline.
Comment: This sequence change affects a donor splice site in intron 34 of the ATM gene. It is expected to disrupt RNA splicing and likely results in an absent or disrupted protein product. This variant is not present in population databases (ExAC no frequency). This variant has not been reported in the literature in individuals with ATM-related conditions. Donor and acceptor splice site variants typically lead to a loss of protein function (PMID: 16199547), and loss-of-function variants in ATM are known to be pathogenic (PMID: 23807571, 25614872). In summary, the currently available evidence indicates that the variant is pathogenic, but additional data are needed to prove that conclusively. Therefore, this variant has been classified as Likely Pathogenic.

Literature cited by the submitters: PubMed 16199547 (cited by Labcorp Genetics (formerly Invitae), Labcorp); PubMed 23807571 (cited by Labcorp Genetics (formerly Invitae), Labcorp); PubMed 25614872 (cited by Labcorp Genetics (formerly Invitae), Labcorp).

NM_000051.4(ATM):c.5177+1del

Gene: ATM (ATM serine/threonine kinase; plus strand). Cytogenetic location: 11q22.3.
Variant type: Deletion.
Coding change: c.5177+1del on transcript NM_000051.4 (MANE Select); the canonical splice donor site of the intron after coding-DNA position 5177, one base deleted (G; older notation c.5177+1delG).
Molecular consequence: splice donor variant.
Genome position (GRCh38, 1-based): chr11:108,299,886, G deleted; the last of 2 consecutive G bases (chr11:108,299,885-108,299,886); deleting either gives the same sequence. VCF-style (leftmost placement, unchanged base first): chr11-108299884-TG-T. GRCh37 (hg19) VCF-style: chr11-108170611-TG-T.
Other names: c.5177+1del (NM_001351834.2).
Identifiers: ClinVar variation 846092 (VCV000846092.9), dbSNP rs2083338520, ClinGen allele CA916080492.